The following is an entry in ClinVar:

ClinVar aggregate classification (germline): Uncertain significance (1 of 4 stars; one submission).

Conditions:
Hereditary pancreatitis (PCTT). Also called: Hereditary chronic pancreatitis; PRSS1-Related Hereditary Pancreatitis. Identifiers: Orphanet 676, MedGen C0238339, MONDO:0008185, OMIM 167800.

Submission:

Ambry Genetics
Classification: Uncertain significance for Hereditary pancreatitis. Last evaluated: 2023-09-27. Review status: criteria provided, single submitter. Criteria: Ambry Variant Classification Scheme 2023. Collection method: clinical testing. Allele origin: germline.
Comment: The p.T116S variant (also known as c.347C>G), located in coding exon 3 of the CPA1 gene, results from a C to G substitution at nucleotide position 347. The threonine at codon 116 is replaced by serine, an amino acid with similar properties. This amino acid position is conserved. In addition, this alteration is predicted to be tolerated by in silico analysis. Since supporting evidence is limited at this time, the clinical significance of this alteration remains unclear.

NM_001868.4(CPA1):c.347C>G (p.Thr116Ser)

Gene: CPA1 (carboxypeptidase A1; plus strand). Cytogenetic location: 7q32.2.
Variant type: single nucleotide variant.
Coding change: c.347C>G on transcript NM_001868.4 (MANE Select); coding-DNA position 347, C replaced by G.
Protein change: p.Thr116Ser; replaces threonine 116 with serine.
Molecular consequence: missense variant.
Genome position (GRCh38, 1-based): chr7:130,381,829, C>G. VCF-style: chr7-130381829-C-G. GRCh37 (hg19) VCF-style: chr7-130021670-C-G.
Other names: short protein forms T116S.
Identifiers: ClinVar variation 1731825 (VCV001731825.2), dbSNP rs2536005529, ClinGen allele CA369280427.